The following is an entry in ClinVar:

ClinVar aggregate classification (germline): Uncertain significance (1 of 4 stars; one submission).

Submission:

Labcorp Genetics (formerly Invitae), Labcorp
Classification: Uncertain significance. Last evaluated: 2024-04-01. Review status: criteria provided, single submitter. Criteria: Invitae Variant Classification Sherloc (09022015). Collection method: clinical testing. Allele origin: germline.
Comment: This sequence change replaces methionine, which is neutral and non-polar, with threonine, which is neutral and polar, at codon 480 of the CCT2 protein (p.Met480Thr). This variant is present in population databases (rs139756508, gnomAD 0.0009%). This variant has not been reported in the literature in individuals affected with CCT2-related conditions. An algorithm developed to predict the effect of missense changes on protein structure and function (PolyPhen-2) suggests that this variant is likely to be disruptive. In summary, the available evidence is currently insufficient to determine the role of this variant in disease. Therefore, it has been classified as a Variant of Uncertain Significance.

NM_006431.3(CCT2):c.1439T>C (p.Met480Thr)

Gene: CCT2 (chaperonin containing TCP1 subunit 2; plus strand). Cytogenetic location: 12q15.
Variant type: single nucleotide variant.
Coding change: c.1439T>C on transcript NM_006431.3 (MANE Select); coding-DNA position 1439, T replaced by C.
Protein change: p.Met480Thr; replaces methionine 480 with threonine.
Molecular consequence: missense variant.
Genome position (GRCh38, 1-based): chr12:69,599,866, T>C. VCF-style: chr12-69599866-T-C. GRCh37 (hg19) VCF-style: chr12-69993646-T-C.
Other names: c.1298T>C, p.Met433Thr (NM_001198842.2); short protein forms M433T, M480T.
Identifiers: ClinVar variation 3664718 (VCV003664718.2).
Genomic context (GRCh38, chr12:69,599,866, plus strand): 5'-AGATGTTTTGATACTTTAGTTAAAACTGCTTTTTAGTAAATTTGTTTTTCTTTGCAGATA[T>C]GAGGGAAGGCACCATTGGAGATATGGCTATCCTGGGTATAACAGAAAGTTTTCAAGTGAA-3'
Protein context (NP_006422.1, residues 470-490): SEGNTTAGLD[Met480Thr]REGTIGDMAI